The following is an entry in ClinVar:

ClinVar aggregate classification (germline): Uncertain significance. Review status: criteria provided, multiple submitters, no conflicts (2 of 4 stars). 2 submissions from 2 submitters: Uncertain significance (2). Last evaluated 2022-07-12.

Conditions:
Hereditary cancer-predisposing syndrome. Also called: Hereditary Cancer Syndrome; Tumor predisposition; Neoplastic Syndromes, Hereditary; Hereditary neoplastic syndrome. Identifiers: Orphanet 140162, MedGen C0027672, MeSH D009386, MONDO:0015356.

Submissions (2):

Ambry Genetics
Classification: Uncertain significance for Hereditary cancer-predisposing syndrome. Last evaluated: 2022-07-12. Review status: criteria provided, single submitter. Criteria: Ambry Variant Classification Scheme 2023. Collection method: clinical testing. Allele origin: germline.
Comment: The p.P18A variant (also known as c.52C>G), located in coding exon 1 of the FH gene, results from a C to G substitution at nucleotide position 52. The proline at codon 18 is replaced by alanine, an amino acid with highly similar properties. This amino acid position is not well conserved in available vertebrate species. In addition, the in silico prediction for this alteration is inconclusive. Since supporting evidence is limited at this time, the clinical significance of this alteration remains unclear.

Labcorp Genetics (formerly Invitae), Labcorp
Classification: Uncertain significance. Last evaluated: 2021-10-18. Review status: criteria provided, single submitter. Criteria: Invitae Variant Classification Sherloc (09022015). Collection method: clinical testing. Allele origin: germline.
Comment: This sequence change replaces proline with alanine at codon 18 of the FH protein (p.Pro18Ala). The proline residue is weakly conserved and there is a small physicochemical difference between proline and alanine. This variant is not present in population databases (ExAC no frequency). This variant has not been reported in the literature in individuals affected with FH-related conditions. Algorithms developed to predict the effect of missense changes on protein structure and function output the following: SIFT: "Tolerated"; PolyPhen-2: "Not Available"; Align-GVGD: "Class C0". The alanine amino acid residue is found in multiple mammalian species, which suggests that this missense change does not adversely affect protein function. In summary, the available evidence is currently insufficient to determine the role of this variant in disease. Therefore, it has been classified as a Variant of Uncertain Significance.

NM_000143.4(FH):c.52C>G (p.Pro18Ala)

Gene: FH (fumarate hydratase; minus strand). Cytogenetic location: 1q43.
Variant type: single nucleotide variant.
Coding change: c.52C>G on transcript NM_000143.4 (MANE Select); coding-DNA position 52, C replaced by G.
Protein change: p.Pro18Ala; replaces proline 18 with alanine.
Molecular consequence: missense variant.
Genome position (GRCh38, 1-based): chr1:241,519,671, G>C on the plus strand (C>G on the coding strand, the complement: FH is on the minus strand). VCF-style: chr1-241519671-G-C. GRCh37 (hg19) VCF-style: chr1-241682971-G-C.
Other names: short protein forms P18A.
Identifiers: ClinVar variation 1011705 (VCV001011705.9), dbSNP rs1660321288, ClinGen allele CA345442941.
Genomic context (GRCh38, chr1:241,519,671, plus strand): 5'-GCCAAAACGAGGGCACGGCCGCGCCACCCAAGCCGGGAGCCGAAGCTAAGGCTGCGGCTG[G>C]AGCCCGCACGAGGGGACGCGAGCGCGCGAGGAGCCGAAGTGCTCGGTACATGGTGCTGAG-3'
Protein context (NP_000134.2, residues 8-28): LARSRPLVRA[Pro18Ala]AAALASAPGL